The following is an entry in ClinVar:

NM_005559.4(LAMA1):c.8068C>T (p.Leu2690Phe)

Genes: LAMA1 (laminin subunit alpha 1; minus strand), LOC101927188 (uncharacterized LOC101927188; plus strand). Cytogenetic location: 18p11.31.
Variant type: single nucleotide variant.
Coding change: c.8068C>T on transcript NM_005559.4 (MANE Select); coding-DNA position 8068, C replaced by T.
Protein change: p.Leu2690Phe; replaces leucine 2690 with phenylalanine.
Molecular consequence: missense variant. On other transcripts: non-coding transcript variant (1).
Genome position (GRCh38, 1-based): chr18:6,956,662, G>A on the plus strand (C>T on the coding strand, the complement: LAMA1 is on the minus strand). VCF-style: chr18-6956662-G-A. GRCh37 (hg19) VCF-style: chr18-6956661-G-A.
Other names: short protein forms L2690F.
Identifiers: ClinVar variation 4766279 (VCV004766279.1).

ClinVar aggregate classification (germline): Uncertain significance (1 of 4 stars; one submission).

gnomAD v4.1: 14 of 1,614,194 alleles (0.00087%); highest among the groups gnomAD compares: South Asian, 0.015%; no homozygotes.

Submission:

Labcorp Genetics (formerly Invitae), Labcorp
Classification: Uncertain significance. Last evaluated: 2025-12-25. Review status: criteria provided, single submitter. Criteria: Invitae Variant Classification Sherloc (09022015). Collection method: clinical testing. Allele origin: germline.
Comment: This sequence change replaces leucine, which is neutral and non-polar, with phenylalanine, which is neutral and non-polar, at codon 2690 of the LAMA1 protein (p.Leu2690Phe). This variant is present in population databases (rs757699915, gnomAD 0.006%). This variant has not been reported in the literature in individuals affected with LAMA1-related conditions. Invitae Evidence Modeling of protein sequence and biophysical properties (such as structural, functional, and spatial information, amino acid conservation, physicochemical variation, residue mobility, and thermodynamic stability) indicates that this missense variant is not expected to disrupt LAMA1 protein function with a negative predictive value of 80%. In summary, the available evidence is currently insufficient to determine the role of this variant in disease. Therefore, it has been classified as a Variant of Uncertain Significance.